The following is an entry in ClinVar:

ClinVar aggregate classification (germline): Pathogenic/Likely pathogenic. Review status: criteria provided, multiple submitters, no conflicts (2 of 4 stars). 4 submissions from 4 submitters: Pathogenic (1); Likely pathogenic (3). Last evaluated 2025-07-28.

Conditions:
Autosomal recessive nonsyndromic hearing loss 1A (DFNB1A). Also called: Nonsyndromic Hearing Loss and Deafness, DFNB1; GJB2-Related Autosomal Recessive Nonsyndromic Hearing Loss; Connexin 26 deafness; Deafness nonsyndromic, Connexin 26 linked; GJB6-Related DFNB 1 Nonsyndromic Hearing Loss and Deafness; Deafness, autosomal recessive 1A. Identifiers: Orphanet 90636, MedGen C2673759, MONDO:0009076, OMIM 220290.

Allele frequency attached by ClinVar (database versions not stated): ExAC 0.00001; TOPMed 0.00001; gnomAD exomes 0.00002 and 0.00003; gnomAD 0.00003; 1000 Genomes Project 30x 0.00016; 1000 Genomes Project 0.00020.
gnomAD v4.1: 52 of 1,614,164 alleles (0.0032%); highest among the groups gnomAD compares: African/African-American, 0.0067%; no homozygotes.

Submissions (4):

Otogenetics
Classification: Likely pathogenic for Autosomal recessive nonsyndromic hearing loss 1A. Last evaluated: 2025-07-28. Review status: criteria provided, single submitter. Criteria: ACMG Guidelines, 2015. Collection method: clinical testing. Allele origin: germline. Affected: no.
Comment: PS4: Prevalence of variant in affected individuals is statistically increased over controls. Chi squared with Yates correction has P value <0.05 (PMID 12865758); PM2: Aggregated gnomAD MAF of 0.002% (<0.185% threshold); PP2: Missense variant in a gene with low rate of benign missense variants, pathogenic missenses common; PP3: In-silico models predict deleterious affect (Revel = 0.98, FATHMM = -5.99)

Natera, Inc.
Classification: Likely pathogenic for Autosomal recessive deafness type 1A. Last evaluated: 2025-02-19. Review status: criteria provided, single submitter. Criteria: Natera Variant Classification Schema (03/2026). Collection method: clinical testing. Allele origin: germline.
Comment: The c.208C>G variant in GJB2 is a missense variant predicted to cause substitution of proline to alanine at amino acid 70. This variant is rare in the general population with a frequency below the threshold expected for the associated phenotype(s). This variant has been observed in one or more individuals affected with the associated recessive disease, as either homozygous or compound heterozygous with a second variant (PMID: 12865758). This variant has been identified in one or more affected individuals with a phenotype highly consistent with the associated gene (PMID: 12865758). Computational prediction algorithms indicate this variant is likely to affect gene or protein function. Given the available evidence, this variant is classified as Likely Pathogenic.

Labcorp Genetics (formerly Invitae), Labcorp
Classification: Pathogenic. Last evaluated: 2025-02-06. Review status: criteria provided, single submitter. Criteria: Invitae Variant Classification Sherloc (09022015). Collection method: clinical testing. Allele origin: germline.
Comment: This sequence change replaces proline, which is neutral and non-polar, with alanine, which is neutral and non-polar, at codon 70 of the GJB2 protein (p.Pro70Ala). This variant is present in population databases (rs200023879, gnomAD 0.007%). This missense change has been observed in individual(s) with autosomal recessive non-syndromic deafness (PMID: 12865758; internal data). In at least one individual the data is consistent with being in trans (on the opposite chromosome) from a pathogenic variant. ClinVar contains an entry for this variant (Variation ID: 1384271). Invitae Evidence Modeling of protein sequence and biophysical properties (such as structural, functional, and spatial information, amino acid conservation, physicochemical variation, residue mobility, and thermodynamic stability) indicates that this missense variant is expected to disrupt GJB2 protein function with a positive predictive value of 95%. This variant disrupts the p.Pro70 amino acid residue in GJB2. Other variant(s) that disrupt this residue have been observed in individuals with GJB2-related conditions (PMID: 12865758, 17666888), which suggests that this may be a clinically significant amino acid residue. For these reasons, this variant has been classified as Pathogenic.

GeneDx
Classification: Likely pathogenic. Last evaluated: 2023-03-17. Review status: criteria provided, single submitter. Criteria: GeneDx Variant Classification Process June 2021. Collection method: clinical testing. Allele origin: germline. Affected: yes.
Comment: Not observed at significant frequency in large population cohorts (gnomAD); In silico analysis supports that this missense variant has a deleterious effect on protein structure/function; This variant is associated with the following publications: (PMID: 25388846, 24706568, 23555729, 12865758)

Literature cited by the submitters: PubMed 12865758 (cited by 3 submitters); PubMed 17666888 (cited by Labcorp Genetics (formerly Invitae), Labcorp).

NM_004004.6(GJB2):c.208C>G (p.Pro70Ala)

Gene: GJB2 (gap junction protein beta 2; minus strand). Cytogenetic location: 13q12.11.
Variant type: single nucleotide variant.
Coding change: c.208C>G on transcript NM_004004.6 (MANE Select); coding-DNA position 208, C replaced by G.
Protein change: p.Pro70Ala; replaces proline 70 with alanine.
Molecular consequence: missense variant.
Genome position (GRCh38, 1-based): chr13:20,189,374, G>C on the plus strand (C>G on the coding strand, the complement: GJB2 is on the minus strand). VCF-style: chr13-20189374-G-C. GRCh37 (hg19) VCF-style: chr13-20763513-G-C.
Other names: short protein forms P70A.
Identifiers: ClinVar variation 1384271 (VCV001384271.10), dbSNP rs200023879, ClinGen allele CA273831.